The following is an entry in ClinVar:

NM_001365308.1(BMPER):c.722G>A (p.Arg241Gln)

Gene: BMPER (BMP binding endothelial regulator; plus strand). Cytogenetic location: 7p14.3.
Variant type: single nucleotide variant.
Coding change: c.722G>A on transcript NM_001365308.1 (MANE Select); coding-DNA position 722, G replaced by A.
Protein change: p.Arg241Gln; replaces arginine 241 with glutamine.
Molecular consequence: missense variant.
Genome position (GRCh38, 1-based): chr7:34,051,906, G>A. VCF-style: chr7-34051906-G-A. GRCh37 (hg19) VCF-style: chr7-34091518-G-A.
Other names: c.722G>A, p.Arg241Gln (NM_133468.5); short protein forms R241Q.
Identifiers: ClinVar variation 1504374 (VCV001504374.5), dbSNP rs200453593, ClinGen allele CA4215171.

ClinVar aggregate classification (germline): Uncertain significance (1 of 4 stars; one submission).

Allele frequency attached by ClinVar (database versions not stated): gnomAD exomes 0.00002 and 0.00003; ExAC 0.00004; gnomAD 0.00023; TOPMed 0.00047; 1000 Genomes Project 0.00060; 1000 Genomes Project 30x 0.00078.

Submission:

Labcorp Genetics (formerly Invitae), Labcorp
Classification: Uncertain significance. Last evaluated: 2024-11-05. Review status: criteria provided, single submitter. Criteria: Invitae Variant Classification Sherloc (09022015). Collection method: clinical testing. Allele origin: germline.
Comment: This sequence change replaces arginine, which is basic and polar, with glutamine, which is neutral and polar, at codon 241 of the BMPER protein (p.Arg241Gln). This variant is present in population databases (rs200453593, gnomAD 0.02%). This variant has not been reported in the literature in individuals affected with BMPER-related conditions. ClinVar contains an entry for this variant (Variation ID: 1504374). Invitae Evidence Modeling of protein sequence and biophysical properties (such as structural, functional, and spatial information, amino acid conservation, physicochemical variation, residue mobility, and thermodynamic stability) indicates that this missense variant is not expected to disrupt BMPER protein function with a negative predictive value of 80%. In summary, the available evidence is currently insufficient to determine the role of this variant in disease. Therefore, it has been classified as a Variant of Uncertain Significance.